The following is an entry in ClinVar:

NM_001349338.3(FOXP1):c.490G>C (p.Ala164Pro)

Gene: FOXP1 (forkhead box P1; minus strand). Cytogenetic location: 3p13.
Variant type: single nucleotide variant.
Coding change: c.490G>C on transcript NM_001349338.3 (MANE Select); coding-DNA position 490, G replaced by C.
Protein change: p.Ala164Pro; replaces alanine 164 with proline.
Molecular consequence: missense variant. On other transcripts: non-coding transcript variant (2), intron variant (1).
Genome position (GRCh38, 1-based): chr3:71,052,557, C>G on the plus strand (G>C on the coding strand, the complement: FOXP1 is on the minus strand). VCF-style: chr3-71052557-C-G. GRCh37 (hg19) VCF-style: chr3-71101708-C-G.
Other names: c.490G>C, p.Ala164Pro (NM_001244808.3, NM_001244810.2, NM_001244814.3 and 3 more transcripts); c.190G>C, p.Ala64Pro (NM_001244813.3, NM_001244815.2, NM_001349342.3 and 1 more transcripts); c.187G>C, p.Ala63Pro (NM_001349337.2, NM_001349343.3, NM_001349344.3); c.487G>C, p.Ala163Pro (NM_001349341.3); c.283-5462G>C (NM_001244812.3); short protein forms A163P, A164P, A63P, A64P.
Identifiers: ClinVar variation 5020371 (VCV005020371.1).

ClinVar aggregate classification (germline): Uncertain significance (1 of 4 stars; one submission).

Submission:

Dasa
Classification: Uncertain significance. Last evaluated: 2026-06-15. Review status: criteria provided, single submitter. Criteria: DASA Assertion Criteria. Collection method: clinical testing. Allele origin: germline.
Comment: NM_001349338.3(FOXP1):c.490G>C (p.Ala164Pro) is a missense variant that results in the substitution of alanine with proline. This variant is rare in population databases. The currently available literature and clinical evidence are not sufficient to establish a definitive association between this variant and the reported condition. Therefore, this variant is classified as a variant of uncertain significance.